The following is an entry in ClinVar:

ClinVar aggregate classification (germline): Uncertain significance (1 of 4 stars; one submission).

Submission:

Labcorp Genetics (formerly Invitae), Labcorp
Classification: Uncertain significance. Last evaluated: 2022-08-08. Review status: criteria provided, single submitter. Criteria: Invitae Variant Classification Sherloc (09022015). Collection method: clinical testing. Allele origin: germline.
Comment: This variant is not present in population databases (gnomAD no frequency). This sequence change replaces isoleucine, which is neutral and non-polar, with arginine, which is basic and polar, at codon 2000 of the TRPM6 protein (p.Ile2000Arg). This variant has not been reported in the literature in individuals affected with TRPM6-related conditions. In summary, the available evidence is currently insufficient to determine the role of this variant in disease. Therefore, it has been classified as a Variant of Uncertain Significance. Algorithms developed to predict the effect of missense changes on protein structure and function output the following: SIFT: "Deleterious"; PolyPhen-2: "Benign"; Align-GVGD: "Class C0". The arginine amino acid residue is found in multiple mammalian species, which suggests that this missense change does not adversely affect protein function.

NM_017662.5(TRPM6):c.5999T>G (p.Ile2000Arg)

Gene: TRPM6 (transient receptor potential cation channel subfamily M member 6; minus strand). Cytogenetic location: 9q21.13.
Variant type: single nucleotide variant.
Coding change: c.5999T>G on transcript NM_017662.5 (MANE Select); coding-DNA position 5999, T replaced by G.
Protein change: p.Ile2000Arg; replaces isoleucine 2000 with arginine.
Molecular consequence: missense variant.
Genome position (GRCh38, 1-based): chr9:74,724,683, A>C on the plus strand (T>G on the coding strand, the complement: TRPM6 is on the minus strand). VCF-style: chr9-74724683-A-C. GRCh37 (hg19) VCF-style: chr9-77339599-A-C.
Other names: c.5984T>G, p.Ile1995Arg (NM_001177310.2, NM_001177311.2); short protein forms I2000R, I1995R.
Identifiers: ClinVar variation 1998867 (VCV001998867.4), dbSNP rs1563984198, ClinGen allele CA373669120.